The following is an entry in ClinVar:

ClinVar aggregate classification (germline): Conflicting classifications of pathogenicity. Review status: criteria provided, conflicting classifications (1 of 4 stars). 5 submissions from 5 submitters: Likely pathogenic (2); Uncertain significance (2). 1 of the submissions does not count toward it. Last evaluated 2024-11-14.

Conditions:
NF2-related disorder. Also called: NF2-related condition.
Hereditary cancer-predisposing syndrome. Also called: Tumor predisposition; Hereditary neoplastic syndrome; Hereditary Cancer Syndrome; Neoplastic Syndromes, Hereditary. Identifiers: Orphanet 140162, MedGen C0027672, MeSH D009386, MONDO:0015356.
SMARCB1-related schwannomatosis. Also called: Schwannomatosis 1; SWNTS1. Identifiers: Orphanet 93921, MedGen C4048809, MONDO:0024517, OMIM 162091. Disease mechanism: loss of function.
Neurofibromatosis, type 2 (SWNV). Also called: BILATERAL ACOUSTIC NEUROFIBROMATOSIS; SCHWANNOMATOSIS, VESTIBULAR; NF2-Related Schwannomatosis. Identifiers: Orphanet 637, MedGen C0027832, MONDO:0007039, OMIM 101000. Disease mechanism: loss of function.

Submissions (5):

Ambry Genetics
Classification: Uncertain significance for Hereditary cancer-predisposing syndrome. Last evaluated: 2024-11-14. Review status: criteria provided, single submitter. Criteria: Ambry Variant Classification Scheme 2023. Collection method: clinical testing. Allele origin: germline.
Comment: The c.288_290delCTT variant (also known as p.F96del) is located in coding exon 3 of the NF2 gene. This variant results from an in-frame CTT deletion at nucleotide positions 288 to 290. This results in the in-frame deletion of a phenylalanine at codon 96. This variant has been reported in individuals with features of NF2-related schwannomatosis (Cordeiro NJ et al. Dev Med Child Neurol, 2006 Jan;48:58-9; Henson JW et al. Neurol Genet, 2020 Aug;6:e446). This amino acid position is highly conserved in available vertebrate species. In addition, this alteration is predicted to be deleterious by in silico analysis (Choi Y et al. PLoS ONE. 2012; 7(10):e46688). Based on the available evidence, the clinical significance of this variant remains unclear.

Blueprint Genetics
Classification: Likely pathogenic for NF2-related disorders. Last evaluated: 2022-05-25. Review status: criteria provided, single submitter. Criteria: ACMG Guidelines, 2015. Collection method: clinical testing. Allele origin: germline. Affected: yes. Observed: 1 variant allele.

Swedish Neurofibromatosis Center, Swedish Medical Center
Classification: Likely pathogenic for Neurofibromatosis, type 2. Last evaluated: 2020-02-24. Review status: criteria provided, single submitter. Criteria: ACMG Guidelines, 2015. Collection method: clinical testing. Allele origin: de novo. Inheritance: Autosomal dominant inheritance. Affected: yes. Observed: 1 heterozygote.
Comment: PM1, PM2, PM4, PP3,PP5, PP4

Genetics and Molecular Pathology, SA Pathology
Classification: Uncertain significance for SMARCB1-related schwannomatosis. Last evaluated: 2019-07-24. Review status: criteria provided, single submitter. Criteria: ACMG Guidelines, 2015. Collection method: clinical testing. Allele origin: germline. Inheritance: Autosomal dominant inheritance. Affected: yes.

OMIM
Classification: Pathogenic for SHWANNOMATOSIS, VESTIBULAR. Last evaluated: 1994-08-01. Review status: no assertion criteria provided. Collection method: literature only. Allele origin: germline. Not counted in ClinVar's aggregate classification.

Literature cited by the submitters: PubMed 16359595 (cited by Ambry Genetics); PubMed 32637630 (cited by Ambry Genetics); PubMed 33067351 (cited by Ambry Genetics); PubMed 7913580 (cited by Ambry Genetics and OMIM).

NM_000268.4(NF2):c.285CTT[1] (p.Phe96del)

Gene: NF2 (NF2, moesin-ezrin-radixin like (MERLIN) tumor suppressor; plus strand). Cytogenetic location: 22q12.2.
Variant type: Microsatellite.
Coding change: c.285CTT[1] on transcript NM_000268.4 (MANE Select); one copy of the 3-base unit CTT starting at c.285; the reference has two copies in a row; one copy, 3 bases deleted.
Protein change: p.Phe96del; deletes phenylalanine 96.
Molecular consequence: inframe deletion. On other transcripts: non-coding transcript variant (1), intron variant (3).
Genome position (GRCh38, 1-based): chr22:29,639,137-29,639,139, CTT deleted; deleting any 3 consecutive bases within chr22:29,639,134-29,639,139 gives the same sequence; the position shown is the placement nearest the transcript's 3' end. VCF-style (leftmost placement, unchanged base first): chr22-29639133-ACTT-A. GRCh37 (hg19) VCF-style: chr22-30035122-ACTT-A.
Other names: F96delF; c.285CTT[1], p.Phe96del (NM_016418.5, NM_181825.3, NM_181832.3 and 1 more transcripts); c.159CTT[1], p.Phe54del (NM_181828.3); c.240+2261_240+2263del (NM_181829.3); c.115-3065_115-3063del (NM_181830.3, NM_181831.3); c.288_290delCTT (NM_000268.3); short protein forms F96del, F54del.
Identifiers: ClinVar variation 3288 (VCV000003288.8), dbSNP rs121434260, ClinGen allele CA021424.